The following is an entry in ClinVar:

ClinVar aggregate classification (germline): Uncertain significance (1 of 4 stars; one submission).

Conditions:
Hereditary cancer-predisposing syndrome. Also called: Tumor predisposition; Hereditary neoplastic syndrome; Hereditary Cancer Syndrome; Neoplastic Syndromes, Hereditary. Identifiers: Orphanet 140162, MedGen C0027672, MeSH D009386, MONDO:0015356.

gnomAD v4.1: 1 of 1,612,726 alleles (0.000062%); highest among the groups gnomAD compares: African/African-American, 0.0013%; no homozygotes.

Submission:

Ambry Genetics
Classification: Uncertain significance for Hereditary cancer-predisposing syndrome. Last evaluated: 2025-05-27. Review status: criteria provided, single submitter. Criteria: Ambry Variant Classification Scheme 2023. Collection method: clinical testing. Allele origin: germline.
Comment: The p.H1934R variant (also known as c.5801A>G), located in coding exon 42 of the POLE gene, results from an A to G substitution at nucleotide position 5801. The histidine at codon 1934 is replaced by arginine, an amino acid with highly similar properties. This amino acid position is conserved. In addition, this alteration is predicted to be tolerated by in silico analysis. Based on the available evidence, the clinical significance of this variant remains unclear.

NM_006231.4(POLE):c.5801A>G (p.His1934Arg)

Gene: POLE (DNA polymerase epsilon, catalytic subunit; minus strand). Cytogenetic location: 12q24.33.
Variant type: single nucleotide variant.
Coding change: c.5801A>G on transcript NM_006231.4 (MANE Select); coding-DNA position 5801, A replaced by G.
Protein change: p.His1934Arg; replaces histidine 1934 with arginine.
Molecular consequence: missense variant.
Genome position (GRCh38, 1-based): chr12:132,635,902, T>C on the plus strand (A>G on the coding strand, the complement: POLE is on the minus strand). VCF-style: chr12-132635902-T-C. GRCh37 (hg19) VCF-style: chr12-133212488-T-C.
Other names: short protein forms H1934R.
Identifiers: ClinVar variation 3935778 (VCV003935778.1).
Genomic context (GRCh38, chr12:132,635,902, plus strand): 5'-TGAACGCGACCCCCAAAGCTGGCTCGGGTGCCACACTGCAGCTCGCTTACCAGTCCACAG[T>C]GAATACGAGATGAAACTTTTCCTTTGATTCCGCCATAGTTAGATGGATCCATCCAGAGAA-3'
Protein context (NP_006222.2, residues 1924-1944): GIKGKVSSRI[His1934Arg]CGLQDSQKAG